The following is an entry in ClinVar:

ClinVar aggregate classification (germline): Uncertain significance (1 of 4 stars; one submission).

Conditions:
Diaphanospondylodysostosis. Also called: VERTEBRAL OSSIFICATION, DEFECT IN, WITH NEPHROGENIC RESTS. Identifiers: Orphanet 66637, MedGen C1842691, MONDO:0011946, OMIM 608022.

gnomAD v4.1: 1 of 1,614,046 alleles (0.000062%); highest among the groups gnomAD compares: South Asian, 0.0011%; no homozygotes.

Submission:

Juno Genomics, Hangzhou Juno Genomics, Inc
Classification: Uncertain significance for Diaphanospondylodysostosis. Review status: criteria provided, single submitter. Criteria: ACMG Guidelines, 2015. Collection method: clinical testing. Allele origin: germline.
Comment: Absent from controls (or at extremely low frequency if recessive) in Genome Aggregation Database.;Multiple lines of computational evidence support a deleterious effect on the gene or gene product.

NM_001365308.1(BMPER):c.2031C>G (p.Ile677Met)

Gene: BMPER (BMP binding endothelial regulator; plus strand). Cytogenetic location: 7p14.3.
Variant type: single nucleotide variant.
Coding change: c.2031C>G on transcript NM_001365308.1 (MANE Select); coding-DNA position 2031, C replaced by G.
Protein change: p.Ile677Met; replaces isoleucine 677 with methionine.
Molecular consequence: missense variant.
Genome position (GRCh38, 1-based): chr7:34,153,246, C>G. VCF-style: chr7-34153246-C-G. GRCh37 (hg19) VCF-style: chr7-34192858-C-G.
Other names: c.1701C>G, p.Ile567Met (NM_001410872.1); c.2031C>G, p.Ile677Met (NM_133468.5); short protein forms I567M, I677M.
Identifiers: ClinVar variation 5018579 (VCV005018579.2).
Genomic context (GRCh38, chr7:34,153,246, plus strand): 5'-GCCGTGCGTTGCTGGGTGCCACTGTCCAGCAAACTTGGTCCTTCACAAGGGAAGGTGCAT[C>G]AAGCCAGTCCTTTGTCCCCAGCGGTGACCTTTGTTTCGATCCTTAAGACTCTGAAATCTG-3'
Protein context (NP_001352237.1, residues 667-685): ANLVLHKGRC[Ile677Met]KPVLCPQR